The following is an entry in ClinVar:

NM_173477.5(USH1G):c.1012G>A (p.Gly338Arg)

Gene: USH1G (USH1 protein network component sans; minus strand). Cytogenetic location: 17q25.1.
Variant type: single nucleotide variant.
Coding change: c.1012G>A on transcript NM_173477.5 (MANE Select); coding-DNA position 1012, G replaced by A.
Protein change: p.Gly338Arg; replaces glycine 338 with arginine.
Molecular consequence: missense variant.
Genome position (GRCh38, 1-based): chr17:74,919,824, C>T on the plus strand (G>A on the coding strand, the complement: USH1G is on the minus strand). VCF-style: chr17-74919824-C-T. GRCh37 (hg19) VCF-style: chr17-72915919-C-T.
Other names: c.703G>A, p.Gly235Arg (NM_001282489.3); short protein forms G338R, G235R.
Identifiers: ClinVar variation 178569 (VCV000178569.32), dbSNP rs151242039, ClinGen allele CA182578.

ClinVar aggregate classification (germline): Benign/Likely benign. Review status: criteria provided, multiple submitters, no conflicts (2 of 4 stars). 8 submissions from 8 submitters: Benign (2); Likely benign (5). 1 of the submissions does not count toward it. Last evaluated 2026-01-24.

Conditions:
USH1G-related disorder. Also called: USH1G-related condition; USH1G-related disorders.

Allele frequency attached by ClinVar (database versions not stated): ESP Exome Variant Server 0.00023; gnomAD exomes 0.00033 and 0.00075; ExAC 0.00057; gnomAD 0.00062 and 0.00068; 1000 Genomes Project 0.00080; TOPMed 0.00103; 1000 Genomes Project 30x 0.00109.
gnomAD v4.1: 622 of 1,613,010 alleles (0.039%); highest among the groups gnomAD compares: Admixed American, 0.22%; 2 homozygotes.

Submissions (8):

Labcorp Genetics (formerly Invitae), Labcorp
Classification: Benign. Last evaluated: 2026-01-24. Review status: criteria provided, single submitter. Criteria: Invitae Variant Classification Sherloc (09022015). Collection method: clinical testing. Allele origin: germline.

Blueprint Genetics
Classification: Likely benign. Last evaluated: 2024-09-30. Review status: criteria provided, single submitter. Criteria: ACMG Guidelines, 2015. Collection method: clinical testing. Allele origin: germline.

GeneDx
Classification: Likely benign. Last evaluated: 2020-12-14. Review status: criteria provided, single submitter. Criteria: GeneDx Variant Classification Process June 2021. Collection method: clinical testing. Allele origin: germline. Affected: yes.
Comment: This variant is associated with the following publications: (PMID: 17896313)

Laboratory for Molecular Medicine, Mass General Brigham Personalized Medicine
Classification: Benign. Last evaluated: 2017-07-13. Review status: criteria provided, single submitter. Criteria: LMM Criteria. Collection method: clinical testing. Allele origin: germline. Observed: 4 variant alleles.
Comment: The p.Gly338Arg variant in USH1G is not expected to have clinical significance b ecause it has been identified in 0.75% (76/10120) of Ashkenazi Jewish chromosome s including 1 homozygote by the Genome Aggregation Database (gnomAD; dbSNP rs151242039). The glycine (Gly) at position 338 is not well conserved in mammals or evolutionary distant species, and at least 2 ma mmals (lesser Egyptian jerboa, elephant) carry an arginine (Arg), supporting tha t the change at this position is tolerated.

Eurofins Ntd Llc (ga)
Classification: Likely benign. Last evaluated: 2017-01-06. Review status: criteria provided, single submitter. Criteria: EGL Classification Definitions 2015. Collection method: clinical testing. Allele origin: germline. Observed: 1 variant allele, 1 heterozygote.

ARUP Laboratories, Molecular Genetics and Genomics, ARUP Laboratories
Classification: Likely benign. Last evaluated: 2016-06-13. Review status: criteria provided, single submitter. Criteria: ARUP Molecular Germline Variant Investigation Process. Collection method: clinical testing. Allele origin: germline.

Breakthrough Genomics
Classification: Likely benign. Review status: criteria provided, single submitter. Criteria: ACMG Guidelines, 2015. Collection method: not provided. Allele origin: germline. Inheritance: Autosomal recessive inheritance. Affected: yes.

PreventionGenetics, part of Exact Sciences
Classification: Benign for USH1G-related condition. Last evaluated: 2019-12-09. Review status: no assertion criteria provided. Collection method: clinical testing. Allele origin: germline. Not counted in ClinVar's aggregate classification.
Comment: This variant is classified as benign based on ACMG/AMP sequence variant interpretation guidelines (Richards et al. 2015 PMID: 25741868, with internal and published modifications).

Literature cited by the submitters: PubMed 17896313 (cited by Laboratory for Molecular Medicine, Mass General Brigham Personalized Medicine).